The following is an entry in ClinVar:

ClinVar aggregate classification (germline): Uncertain significance. Review status: criteria provided, multiple submitters, no conflicts (2 of 4 stars). 2 submissions from 2 submitters: Uncertain significance (2). Last evaluated 2025-02-28.

Conditions:
Inborn genetic diseases. Identifiers: MedGen C0950123, MeSH D030342.

gnomAD v4.1: 11 of 1,613,020 alleles (0.00068%); highest among the groups gnomAD compares: African/African-American, 0.013%; no homozygotes.

Submissions (2):

Ambry Genetics
Classification: Uncertain significance for Inborn genetic diseases. Last evaluated: 2025-02-28. Review status: criteria provided, single submitter. Criteria: Ambry Variant Classification Scheme 2023. Collection method: clinical testing. Allele origin: germline.

Labcorp Genetics (formerly Invitae), Labcorp
Classification: Uncertain significance. Last evaluated: 2024-01-17. Review status: criteria provided, single submitter. Criteria: Invitae Variant Classification Sherloc (09022015). Collection method: clinical testing. Allele origin: germline.
Comment: This sequence change replaces arginine, which is basic and polar, with glycine, which is neutral and non-polar, at codon 736 of the GPR179 protein (p.Arg736Gly). The frequency data for this variant in the population databases is considered unreliable, as metrics indicate poor data quality at this position in the gnomAD database. This variant has not been reported in the literature in individuals affected with GPR179-related conditions. ClinVar contains an entry for this variant (Variation ID: 1410927). An algorithm developed to predict the effect of missense changes on protein structure and function (PolyPhen-2) suggests that this variant is likely to be disruptive. In summary, the available evidence is currently insufficient to determine the role of this variant in disease. Therefore, it has been classified as a Variant of Uncertain Significance.

NM_001004334.4(GPR179):c.2206C>G (p.Arg736Gly)

Gene: GPR179 (G protein-coupled receptor 179; minus strand). Cytogenetic location: 17q12.
Variant type: single nucleotide variant.
Coding change: c.2206C>G on transcript NM_001004334.4 (MANE Select); coding-DNA position 2206, C replaced by G.
Protein change: p.Arg736Gly; replaces arginine 736 with glycine.
Molecular consequence: missense variant.
Genome position (GRCh38, 1-based): chr17:38,331,363, G>C on the plus strand (C>G on the coding strand, the complement: GPR179 is on the minus strand). VCF-style: chr17-38331363-G-C. GRCh37 (hg19) VCF-style: chr17-36487246-G-C.
Other names: c.2206C>G (NM_001004334.2); short protein forms R736G.
Identifiers: ClinVar variation 1410927 (VCV001410927.9), dbSNP rs539498416, ClinGen allele CA398883824.